The following is an entry in ClinVar:

NM_001080467.3(MYO5B):c.2445G>A (p.Ala815=)

Gene: MYO5B (myosin VB; minus strand). Cytogenetic location: 18q21.1.
Variant type: single nucleotide variant.
Coding change: c.2445G>A on transcript NM_001080467.3 (MANE Select); coding-DNA position 2445, G replaced by A.
Protein change: p.Ala815=; no amino-acid change (alanine 815 retained).
Molecular consequence: synonymous variant.
Genome position (GRCh38, 1-based): chr18:49,904,798, C>T on the plus strand (G>A on the coding strand, the complement: MYO5B is on the minus strand). VCF-style: chr18-49904798-C-T. GRCh37 (hg19) VCF-style: chr18-47431168-C-T.
Identifiers: ClinVar variation 3031441 (VCV003031441.2), dbSNP rs372848572, ClinGen allele CA8961074.

ClinVar aggregate classification (germline): Likely benign (0 of 4 stars; one submission).

Conditions:
MYO5B-related disorder. Also called: MYO5B-related condition.

Allele frequency attached by ClinVar (database versions not stated): gnomAD exomes below 0.00001; TOPMed below 0.00001; ExAC 0.00001; gnomAD 0.00001; ESP Exome Variant Server 0.00008.
gnomAD v4.1: 7 of 1,613,896 alleles (0.00043%); highest among the groups gnomAD compares: South Asian, 0.0011%; no homozygotes.

Submission:

PreventionGenetics, part of Exact Sciences
Classification: Likely benign for MYO5B-related condition. Last evaluated: 2021-03-19. Review status: no assertion criteria provided. Collection method: clinical testing. Allele origin: germline.
Comment: This variant is classified as likely benign based on ACMG/AMP sequence variant interpretation guidelines (Richards et al. 2015 PMID: 25741868, with internal and published modifications).